The following is an entry in ClinVar:

ClinVar aggregate classification (germline): Uncertain significance (1 of 4 stars; one submission).

Conditions:
Wilms tumor 1 (WT1). Also called: Wilms tumor, somatic. Identifiers: Orphanet 654, MedGen CN033288, MONDO:0008679, OMIM 194070.

Submission:

Labcorp Genetics (formerly Invitae), Labcorp
Classification: Uncertain significance for Wilms tumor 1. Last evaluated: 2023-10-15. Review status: criteria provided, single submitter. Criteria: Invitae Variant Classification Sherloc (09022015). Collection method: clinical testing. Allele origin: germline.
Comment: This sequence change replaces leucine, which is neutral and non-polar, with tryptophan, which is neutral and slightly polar, at codon 395 of the GPC3 protein (p.Leu395Trp). This variant is not present in population databases (gnomAD no frequency). This variant has not been reported in the literature in individuals affected with GPC3-related conditions. ClinVar contains an entry for this variant (Variation ID: 1945620). Advanced modeling of protein sequence and biophysical properties (such as structural, functional, and spatial information, amino acid conservation, physicochemical variation, residue mobility, and thermodynamic stability) performed at Invitae indicates that this missense variant is expected to disrupt GPC3 protein function. In summary, the available evidence is currently insufficient to determine the role of this variant in disease. Therefore, it has been classified as a Variant of Uncertain Significance.

NM_004484.4(GPC3):c.1184T>G (p.Leu395Trp)

Gene: GPC3 (glypican 3; minus strand). Cytogenetic location: Xq26.2.
Variant type: single nucleotide variant.
Coding change: c.1184T>G on transcript NM_004484.4 (MANE Select); coding-DNA position 1184, T replaced by G.
Protein change: p.Leu395Trp; replaces leucine 395 with tryptophan.
Molecular consequence: missense variant.
Genome position (GRCh38, 1-based): chrX:133,692,477, A>C on the plus strand (T>G on the coding strand, the complement: GPC3 is on the minus strand). VCF-style: chrX-133692477-A-C. GRCh37 (hg19) VCF-style: chrX-132826505-A-C.
Other names: c.1253T>G, p.Leu418Trp (NM_001164617.2); c.1136T>G, p.Leu379Trp (NM_001164618.2); c.1022T>G, p.Leu341Trp (NM_001164619.2); short protein forms L418W, L379W, L341W, L395W.
Identifiers: ClinVar variation 1945620 (VCV001945620.5), dbSNP rs2071074664, ClinGen allele CA414705770.
Genomic context (GRCh38, chrX:133,692,477, plus strand): 5'-ACAGGGCTATGGCTGCAGATGTAGCCAGGCAAAGCACTATAGAAGCTGATGAAAGACTTC[A>C]ACTTCTGAATTAGTTCCCTAAAAGAAAAACAAAACATCTGTGCATAAGAGGCAAGTAAAC-3'
Protein context (NP_004475.1, residues 385-405): SSRRRELIQK[Leu395Trp]KSFISFYSAL